The following is an entry in ClinVar:

NM_004104.5(FASN):c.4447G>C (p.Val1483Leu)

Gene: FASN (fatty acid synthase; minus strand). Cytogenetic location: 17q25.3.
Variant type: single nucleotide variant.
Coding change: c.4447G>C on transcript NM_004104.5 (MANE Select); coding-DNA position 4447, G replaced by C.
Protein change: p.Val1483Leu; replaces valine 1483 with leucine.
Molecular consequence: missense variant.
Genome position (GRCh38, 1-based): chr17:82,084,916, C>G on the plus strand (G>C on the coding strand, the complement: FASN is on the minus strand). VCF-style: chr17-82084916-C-G. GRCh37 (hg19) VCF-style: chr17-80042792-C-G.
Other names: short protein forms V1483L.
Identifiers: ClinVar variation 2648485 (VCV002648485.24), dbSNP rs2228305, ClinGen allele CA401546776.

ClinVar aggregate classification (germline): Uncertain significance (1 of 4 stars; one submission).

Submission:

CeGaT Center for Human Genetics Tuebingen
Classification: Uncertain significance. Last evaluated: 2023-04-01. Review status: criteria provided, single submitter. Criteria: CeGaT Center For Human Genetics Tuebingen Variant Classification Criteria Version 2. Collection method: clinical testing. Allele origin: germline. Affected: yes. Observed: 1 variant allele.
Comment: FASN: PM2, BP4